The following is an entry in ClinVar:

ClinVar aggregate classification (germline): Conflicting classifications of pathogenicity. Review status: criteria provided, conflicting classifications (1 of 4 stars). 9 submissions from 9 submitters: Uncertain significance (1); Benign (2); Likely benign (4). 2 of the submissions do not count toward it. Last evaluated 2026-07-01.

Conditions:
B3GLCT-related disorder. Also called: B3GLCT-related condition.
Peters plus syndrome. Also called: KRAUSE-KIVLIN SYNDROME. Identifiers: Orphanet 709, MedGen C0796012, MONDO:0009856, OMIM 261540.

Allele frequency attached by ClinVar (database versions not stated): 1000 Genomes Project 0.00180; gnomAD exomes 0.00187 and 0.00354; gnomAD 0.00198 and 0.00199; ExAC 0.00209; 1000 Genomes Project 30x 0.00219; ESP Exome Variant Server 0.00323.
gnomAD v4.1: 5,375 of 1,607,386 alleles (0.33%); highest among the groups gnomAD compares: Non-Finnish European, 0.42%; 18 homozygotes.

Submissions (9):

CeGaT Center for Human Genetics Tuebingen
Classification: Likely benign. Last evaluated: 2026-07-01. Review status: criteria provided, single submitter. Criteria: CeGaT Center For Human Genetics Tuebingen Variant Classification Criteria Version 2. Collection method: clinical testing. Allele origin: germline. Affected: yes. Observed: 9 variant alleles.
Comment: B3GLCT: BP4, BS2

Women's Health and Genetics/Laboratory Corporation of America, LabCorp
Classification: Benign. Last evaluated: 2026-03-25. Review status: criteria provided, single submitter. Criteria: LabCorp Variant Classification Summary - May 2015. Collection method: clinical testing. Allele origin: germline.
Comment: Variant summary: B3GLCT c.271-8T>C alters a nucleotide located at a position not widely known to affect splicing. Consensus agreement among computation tools predict no significant impact on normal splicing. However, these predictions have yet to be confirmed by functional studies. The variant allele was found at a frequency of 0.0019 in 251344 control chromosomes, predominantly at a frequency of 0.0034 within the Non-Finnish European subpopulation in the gnomAD database, including 1 homozygotes. The observed variant frequency within Non-Finnish European control individuals in the gnomAD database exceeds the estimated maximal expected allele frequency for disease-causing variants in B3GLCT. To our knowledge, no occurrence of c.271-8T>C in individuals affected with B3GLCT-related conditions and no experimental evidence demonstrating its impact on protein function have been reported. ClinVar contains an entry for this variant (Variation ID: 425024). Based on the evidence outlined above, the variant was classified as benign.

Labcorp Genetics (formerly Invitae), Labcorp
Classification: Benign for Peters plus syndrome. Last evaluated: 2026-01-05. Review status: criteria provided, single submitter. Criteria: Invitae Variant Classification Sherloc (09022015). Collection method: clinical testing. Allele origin: germline.

PreventionGenetics, part of Exact Sciences
Classification: Likely benign for B3GLCT-related condition. Last evaluated: 2024-12-17. Review status: criteria provided, single submitter. Criteria: ACMG Guidelines, 2015. Collection method: clinical testing. Allele origin: germline.
Comment: This variant is classified as likely benign based on ACMG/AMP sequence variant interpretation guidelines (Richards et al. 2015 PMID: 25741868, with internal and published modifications).

Blueprint Genetics
Classification: Likely benign. Last evaluated: 2024-11-15. Review status: criteria provided, single submitter. Criteria: ACMG Guidelines, 2015. Collection method: clinical testing. Allele origin: germline.

Illumina Laboratory Services, Illumina
Classification: Likely benign for Peters plus syndrome. Last evaluated: 2018-01-12. Review status: criteria provided, single submitter. Criteria: ICSL Variant Classification Criteria 13 December 2019. Collection method: clinical testing. Allele origin: germline.
Comment: This variant was observed in the ICSL laboratory as part of a predisposition screen in an ostensibly healthy population. It had not been previously curated by ICSL or reported in the Human Gene Mutation Database (HGMD: prior to June 1st, 2018), and was therefore a candidate for classification through an automated scoring system. Utilizing variant allele frequency, disease prevalence and penetrance estimates, and inheritance mode, an automated score was calculated to assess if this variant is too frequent to cause the disease. Based on the score and internal cut-off values, a variant classified as likely benign is not then subjected to further curation. The score for this variant resulted in a classification of likely benign for this disease.

Eurofins Ntd Llc (ga)
Classification: Uncertain significance. Last evaluated: 2017-11-16. Review status: criteria provided, single submitter. Criteria: EGL Classification Definitions 2015. Collection method: clinical testing. Allele origin: germline. Observed: 1 variant allele, 1 heterozygote.

Clinical Genetics DNA and cytogenetics Diagnostics Lab, Erasmus MC, Erasmus Medical Center
Classification: Likely benign. Review status: no assertion criteria provided. Collection method: clinical testing. Allele origin: germline. Affected: yes. Study: VKGL Data-share Consensus. Not counted in ClinVar's aggregate classification.

Laboratory of Diagnostic Genome Analysis, Leiden University Medical Center (LUMC)
Classification: Likely benign. Review status: no assertion criteria provided. Collection method: clinical testing. Allele origin: germline. Affected: yes. Study: VKGL Data-share Consensus. Not counted in ClinVar's aggregate classification.

NM_194318.4(B3GLCT):c.271-8T>C

Gene: B3GLCT (beta 3-glucosyltransferase; plus strand). Cytogenetic location: 13q12.3.
Variant type: single nucleotide variant.
Coding change: c.271-8T>C on transcript NM_194318.4 (MANE Select); 8 bases into the intron before coding-DNA position 271, T replaced by C.
Molecular consequence: intron variant.
Genome position (GRCh38, 1-based): chr13:31,247,015, T>C. VCF-style: chr13-31247015-T-C. GRCh37 (hg19) VCF-style: chr13-31821152-T-C.
Identifiers: ClinVar variation 425024 (VCV000425024.63), dbSNP rs183322816, ClinGen allele CA6936542.
Genomic context (GRCh38, chr13:31,247,015, plus strand): 5'-TTTTTTTTTTTTACTTTTTTTCGGAGTAGTCAATTCATACTTATCTTCTTTGATCATTGT[T>C]TTCTCAGGAGCTCCCCAGTGTCCTCCTCCTTCATCAGCTGGCTAAACAAGAAGGTGCATG-3'